The following is an entry in ClinVar:

ClinVar aggregate classification (germline): Uncertain significance (1 of 4 stars; one submission).

Conditions:
Fanconi anemia (FA). Also called: Fanconi's anemia. Identifiers: Orphanet 84, MedGen C0015625, MeSH D005199, MONDO:0019391.

gnomAD v4.1: 2 of 1,608,070 alleles (0.00012%); highest among the groups gnomAD compares: Non-Finnish European, 0.00017%; no homozygotes.

Submission:

Labcorp Genetics (formerly Invitae), Labcorp
Classification: Uncertain significance for Fanconi anemia. Last evaluated: 2021-09-16. Review status: criteria provided, single submitter. Criteria: Invitae Variant Classification Sherloc (09022015). Collection method: clinical testing. Allele origin: germline.
Comment: This sequence change falls in intron 9 of the FANCI gene. It does not directly change the encoded amino acid sequence of the FANCI protein. It affects a nucleotide within the consensus splice site of the intron. This variant is not present in population databases (ExAC no frequency). This variant has not been reported in the literature in individuals affected with FANCI-related conditions. Variants that disrupt the consensus splice site are a relatively common cause of aberrant splicing (PMID: 17576681, 9536098). Algorithms developed to predict the effect of sequence changes on RNA splicing suggest that this variant is not likely to affect RNA splicing. In summary, the available evidence is currently insufficient to determine the role of this variant in disease. Therefore, it has been classified as a Variant of Uncertain Significance.

Literature cited by the submitters: PubMed 17576681; PubMed 9536098.

NM_001113378.2(FANCI):c.755+3G>A

Gene: FANCI (FA complementation group I; plus strand). Cytogenetic location: 15q26.1.
Variant type: single nucleotide variant.
Coding change: c.755+3G>A on transcript NM_001113378.2 (MANE Select); 3 bases into the intron after coding-DNA position 755, G replaced by A.
Molecular consequence: intron variant.
Genome position (GRCh38, 1-based): chr15:89,264,610, G>A. VCF-style: chr15-89264610-G-A. GRCh37 (hg19) VCF-style: chr15-89807841-G-A.
Other names: c.755+3G>A (NM_018193.3, NM_001376911.1); c.476+3G>A (NM_001376910.1).
Identifiers: ClinVar variation 1399548 (VCV001399548.6), dbSNP rs2151305411, ClinGen allele CA2573151349.
Genomic context (GRCh38, chr15:89,264,610, plus strand): 5'-TCATAGCCTTCTTCAGTGCACTAGATAAGCAGCACAATGAGGAACAGAGTGGTGACGAGT[G>A]AGTAATATAGTGTAGAAATAAAGATCATTTTTACAAATTCATCTTCTCATTGTGTATTTT-3'